The following is an entry in ClinVar:

NM_001903.5(CTNNA1):c.2055G>T (p.Ala685=)

Gene: CTNNA1 (catenin alpha 1; plus strand). Cytogenetic location: 5q31.2.
Variant type: single nucleotide variant.
Coding change: c.2055G>T on transcript NM_001903.5 (MANE Select); coding-DNA position 2055, G replaced by T.
Protein change: p.Ala685=; no amino-acid change (alanine 685 retained).
Molecular consequence: synonymous variant.
Genome position (GRCh38, 1-based): chr5:138,930,517, G>T. VCF-style: chr5-138930517-G-T. GRCh37 (hg19) VCF-style: chr5-138266206-G-T.
Other names: c.2055G>T (NM_001903.4); c.2055G>T, p.Ala685= (NM_001290307.3, NM_001323982.2, NM_001323983.1 and 2 more transcripts); c.1746G>T, p.Ala582= (NM_001290309.3); c.1686G>T, p.Ala562= (NM_001290310.3); c.945G>T, p.Ala315= (NM_001290312.1, NM_001323987.1, NM_001323988.1 and 17 more transcripts); c.1962G>T, p.Ala654= (NM_001323986.2); c.606G>T, p.Ala202= (NM_001324006.1, NM_001324007.1, NM_001324008.1 and 2 more transcripts); c.852G>T, p.Ala284= (NM_001324011.1); and 1 more.
Identifiers: ClinVar variation 820612 (VCV000820612.17), dbSNP rs372902176, ClinGen allele CA446597826.

ClinVar aggregate classification (germline): Benign/Likely benign. Review status: criteria provided, multiple submitters, no conflicts (2 of 4 stars). 5 submissions from 5 submitters: Benign (1); Likely benign (3). 1 of the submissions does not count toward it. Last evaluated 2025-09-14.

Conditions:
Hereditary cancer-predisposing syndrome. Also called: Neoplastic Syndromes, Hereditary; Tumor predisposition; Hereditary Cancer Syndrome; Hereditary neoplastic syndrome. Identifiers: Orphanet 140162, MedGen C0027672, MeSH D009386, MONDO:0015356.
CTNNA1-related disorder. Also called: CTNNA1-related condition.
Hereditary diffuse gastric adenocarcinoma (HDGC). Also called: DIFFUSE GASTRIC AND LOBULAR BREAST CANCER SYNDROME. Identifiers: Orphanet 26106, MedGen C1708349, MONDO:0007648, OMIM 137215.

Allele frequency attached by ClinVar (database versions not stated): TOPMed 0.00002.
gnomAD v4.1: 6 of 1,613,794 alleles (0.00037%); highest among the groups gnomAD compares: Admixed American, 0.0017%; no homozygotes.

Submissions (5):

Labcorp Genetics (formerly Invitae), Labcorp
Classification: Likely benign. Last evaluated: 2025-09-14. Review status: criteria provided, single submitter. Criteria: Invitae Variant Classification Sherloc (09022015). Collection method: clinical testing. Allele origin: germline.

Myriad Genetics, Inc.
Classification: Benign for Hereditary diffuse gastric adenocarcinoma. Last evaluated: 2024-10-14. Review status: criteria provided, single submitter. Criteria: Myriad Autosomal Dominant, Autosomal Recessive and X-Linked Classification Criteria (2023). Collection method: clinical testing. Allele origin: unknown.
Comment: This variant is considered benign. This variant is a silent/synonymous amino acid change and it is not expected to impact splicing.

Blueprint Genetics
Classification: Likely benign. Last evaluated: 2023-12-20. Review status: criteria provided, single submitter. Criteria: ACMG Guidelines, 2015. Collection method: clinical testing. Allele origin: germline.

Ambry Genetics
Classification: Likely benign for Hereditary cancer-predisposing syndrome. Last evaluated: 2019-08-26. Review status: criteria provided, single submitter. Criteria: Ambry Variant Classification Scheme 2023. Collection method: clinical testing. Allele origin: germline.

PreventionGenetics, part of Exact Sciences
Classification: Likely benign for CTNNA1-related condition. Last evaluated: 2023-03-10. Review status: no assertion criteria provided. Collection method: clinical testing. Allele origin: germline. Not counted in ClinVar's aggregate classification.
Comment: This variant is classified as likely benign based on ACMG/AMP sequence variant interpretation guidelines (Richards et al. 2015 PMID: 25741868, with internal and published modifications).